The following is an entry in ClinVar:

NM_001042492.3(NF1):c.2440A>T (p.Lys814Ter)

Gene: NF1 (neurofibromin 1; plus strand). Cytogenetic location: 17q11.2.
Variant type: single nucleotide variant.
Coding change: c.2440A>T on transcript NM_001042492.3 (MANE Select); coding-DNA position 2440, A replaced by T.
Protein change: p.Lys814Ter; replaces lysine 814 with a stop codon.
Molecular consequence: nonsense.
Genome position (GRCh38, 1-based): chr17:31,229,055, A>T. VCF-style: chr17-31229055-A-T. GRCh37 (hg19) VCF-style: chr17-29556073-A-T.
Other names: c.2440A>T, p.Lys814Ter (NM_000267.4); short protein forms K814*.
Identifiers: ClinVar variation 1352720 (VCV001352720.8), dbSNP rs1555614184, ClinGen allele CA398983889.

ClinVar aggregate classification (germline): Pathogenic. Review status: criteria provided, multiple submitters, no conflicts (2 of 4 stars). 3 submissions from 3 submitters: Pathogenic (3). Last evaluated 2025-11-05.

Conditions:
Neurofibromatosis, type 1 (NF1). Also called: VON RECKLINGHAUSEN DISEASE; NEUROFIBROMATOSIS, TYPE I, SOMATIC; Peripheral type neurofibromatosis; Neurofibromatosis, type I. Identifiers: Orphanet 636, MedGen C0027831, MONDO:0018975, OMIM 162200. Disease mechanism: loss of function.

Submissions (3):

Variantyx, Inc.
Classification: Pathogenic for Neurofibromatosis, type 1. Last evaluated: 2025-11-05. Review status: criteria provided, single submitter. Criteria: Variantyx Assertion Criteria 2022. Collection method: clinical testing. Allele origin: germline. Inheritance: Autosomal dominant inheritance. Affected: yes.
Comment: This is a nonsense variant in the NF1 gene (OMIM: 613113). Pathogenic variants in this gene have been associated with autosomal dominant neurofibromatosis type 1. This variant introduces a premature termination codon in exon 21 out of 58 and is expected to result in loss of function, which is a known disease mechanism for NF1 in this disorder (PMID: 10712197, 23913538) (PVS1). This variant has been reported in at least one affected individual (PMID: 35240321) (PS4, while it is absent from control populations (PM2). Based on the current evidence, this variant is classified as pathogenic for autosomal dominant neurofibromatosis type 1.

Labcorp Genetics (formerly Invitae), Labcorp
Classification: Pathogenic for Neurofibromatosis, type 1. Last evaluated: 2022-11-28. Review status: criteria provided, single submitter. Criteria: Invitae Variant Classification Sherloc (09022015). Collection method: clinical testing. Allele origin: germline.
Comment: This variant is not present in population databases (gnomAD no frequency). This sequence change creates a premature translational stop signal (p.Lys814*) in the NF1 gene. It is expected to result in an absent or disrupted protein product. Loss-of-function variants in NF1 are known to be pathogenic (PMID: 10712197, 23913538). This variant has not been reported in the literature in individuals affected with NF1-related conditions. ClinVar contains an entry for this variant (Variation ID: 1352720). For these reasons, this variant has been classified as Pathogenic.

GeneDx
Classification: Pathogenic. Last evaluated: 2022-11-03. Review status: criteria provided, single submitter. Criteria: GeneDx Variant Classification Process June 2021. Collection method: clinical testing. Allele origin: germline. Affected: yes.
Comment: Nonsense variant predicted to result in protein truncation or nonsense mediated decay in a gene for which loss-of-function is a known mechanism of disease; Not observed at significant frequency in large population cohorts (gnomAD); Has not been previously published as pathogenic or benign to our knowledge

Literature cited by the submitters: PubMed 10712197 (cited by Variantyx, Inc. and Labcorp Genetics (formerly Invitae), Labcorp); PubMed 23913538 (cited by Variantyx, Inc. and Labcorp Genetics (formerly Invitae), Labcorp); PubMed 35240321 (cited by Variantyx, Inc.).